The following is an entry in ClinVar:

NM_001365480.1(CCDC88A):c.2548dup (p.Thr850fs)

Gene: CCDC88A (coiled-coil and HOOK domain protein 88A; minus strand). Cytogenetic location: 2p16.1.
Variant type: Duplication.
Coding change: c.2548dup on transcript NM_001365480.1 (MANE Select); coding-DNA position 2548, one base duplicated (A; older notation c.2548dupA).
Protein change: p.Thr850fs; shifts the reading frame from threonine 850.
Molecular consequence: frameshift variant.
Genome position (GRCh38, 1-based): chr2:55,334,273, T duplicated on the plus strand (A on the coding strand, the reverse complement: CCDC88A is on the minus strand). VCF-style (leftmost placement, unchanged base first): chr2-55334272-G-GT. GRCh37 (hg19) VCF-style: chr2-55561408-G-GT.
Other names: c.2548dup, p.Thr850fs (NM_001135597.2, NM_001254943.2, NM_018084.5); short protein forms T850fs.
Identifiers: ClinVar variation 3723924 (VCV003723924.2).

ClinVar aggregate classification (germline): Pathogenic (1 of 4 stars; one submission).

Submission:

Labcorp Genetics (formerly Invitae), Labcorp
Classification: Pathogenic. Last evaluated: 2024-10-28. Review status: criteria provided, single submitter. Criteria: Invitae Variant Classification Sherloc (09022015). Collection method: clinical testing. Allele origin: germline.
Comment: This sequence change creates a premature translational stop signal (p.Thr850Asnfs*7) in the CCDC88A gene. It is expected to result in an absent or disrupted protein product. Loss-of-function variants in CCDC88A are known to be pathogenic (PMID: 26917597, 30392057). This variant is not present in population databases (gnomAD no frequency). This variant has not been reported in the literature in individuals affected with CCDC88A-related conditions. For these reasons, this variant has been classified as Pathogenic.

Literature cited by the submitters: PubMed 26917597; PubMed 30392057.